The following is an entry in ClinVar:

ClinVar aggregate classification (germline): Uncertain significance (1 of 4 stars; one submission).

Conditions:
Familial melanoma. Also called: Hereditary melanoma; Hereditary cutaneous melanoma. Identifiers: Orphanet 618, MedGen C1512419, MONDO:0018961.

Submission:

Labcorp Genetics (formerly Invitae), Labcorp
Classification: Uncertain significance for Familial melanoma. Last evaluated: 2023-04-15. Review status: criteria provided, single submitter. Criteria: Invitae Variant Classification Sherloc (09022015). Collection method: clinical testing. Allele origin: germline.
Comment: In summary, the available evidence is currently insufficient to determine the role of this variant in disease. Therefore, it has been classified as a Variant of Uncertain Significance. Advanced modeling of protein sequence and biophysical properties (such as structural, functional, and spatial information, amino acid conservation, physicochemical variation, residue mobility, and thermodynamic stability) performed at Invitae indicates that this missense variant is not expected to disrupt CDK4 protein function. This variant has not been reported in the literature in individuals affected with CDK4-related conditions. This variant is not present in population databases (gnomAD no frequency). This sequence change replaces aspartic acid, which is acidic and polar, with valine, which is neutral and non-polar, at codon 298 of the CDK4 protein (p.Asp298Val).

NM_000075.4(CDK4):c.893A>T (p.Asp298Val)

Genes: CDK4 (cyclin dependent kinase 4; minus strand), TSPAN31 (tetraspanin 31; plus strand). Cytogenetic location: 12q14.1.
Variant type: single nucleotide variant.
Coding change: c.893A>T on transcript NM_000075.4 (MANE Select); coding-DNA position 893, A replaced by T.
Protein change: p.Asp298Val; replaces aspartic acid 298 with valine.
Molecular consequence: missense variant. On other transcripts: 3 prime UTR variant (3).
Genome position (GRCh38, 1-based): chr12:57,748,544, T>A on the plus strand (A>T on the coding strand, the complement: CDK4 is on the minus strand). VCF-style: chr12-57748544-T-A. GRCh37 (hg19) VCF-style: chr12-58142327-T-A.
Other names: c.*1254T>A (NM_001330168.2, NM_001330169.2, NM_005981.5); short protein forms D298V.
Identifiers: ClinVar variation 2856499 (VCV002856499.3), dbSNP rs2140381014, ClinGen allele CA385542226.